The following is an entry in ClinVar:

NM_001145809.2(MYH14):c.4520A>T (p.Lys1507Met)

Gene: MYH14 (myosin heavy chain 14; plus strand). Cytogenetic location: 19q13.33.
Variant type: single nucleotide variant.
Coding change: c.4520A>T on transcript NM_001145809.2 (MANE Select); coding-DNA position 4520, A replaced by T.
Protein change: p.Lys1507Met; replaces lysine 1507 with methionine.
Molecular consequence: missense variant.
Genome position (GRCh38, 1-based): chr19:50,281,823, A>T. VCF-style: chr19-50281823-A-T. GRCh37 (hg19) VCF-style: chr19-50785080-A-T.
Other names: c.4421A>T, p.Lys1474Met (NM_001077186.2); c.4397A>T, p.Lys1466Met (NM_024729.4); short protein forms K1466M, K1474M, K1507M.
Identifiers: ClinVar variation 4085906 (VCV004085906.8).

ClinVar aggregate classification (germline): Uncertain significance (1 of 4 stars; one submission).

Submission:

CeGaT Center for Human Genetics Tuebingen
Classification: Uncertain significance. Last evaluated: 2025-08-01. Review status: criteria provided, single submitter. Criteria: CeGaT Center For Human Genetics Tuebingen Variant Classification Criteria Version 2. Collection method: clinical testing. Allele origin: germline. Affected: yes. Observed: 1 variant allele.
Comment: MYH14: PM2